The following is an entry in ClinVar:

ClinVar aggregate classification (germline): Uncertain significance (1 of 4 stars; one submission).

Conditions:
Methylmalonic acidemia due to transcobalamin receptor defect (MATR). Also called: METHYLMALONIC ACIDEMIA, TCblR TYPE; METHYLMALONIC ACIDURIA, TRANSIENT, DUE TO TRANSCOBALAMIN RECEPTOR DEFECT. Identifiers: Orphanet 280183, MedGen C4749905, MONDO:0013341, OMIM 613646.

Allele frequency attached by ClinVar (database versions not stated): TOPMed below 0.00001; gnomAD 0.00001.
gnomAD v4.1: 6 of 1,582,828 alleles (0.00038%); highest among the groups gnomAD compares: Admixed American, 0.0086%; no homozygotes.

Submission:

Labcorp Genetics (formerly Invitae), Labcorp
Classification: Uncertain significance for Methylmalonic acidemia due to transcobalamin receptor defect. Last evaluated: 2021-06-18. Review status: criteria provided, single submitter. Criteria: Invitae Variant Classification Sherloc (09022015). Collection method: clinical testing. Allele origin: germline.
Comment: In summary, the available evidence is currently insufficient to determine the role of this variant in disease. Therefore, it has been classified as a Variant of Uncertain Significance. Algorithms developed to predict the effect of missense changes on protein structure and function are either unavailable or do not agree on the potential impact of this missense change (SIFT: "Deleterious"; PolyPhen-2: "Benign"; Align-GVGD: "Class C0"). This variant has not been reported in the literature in individuals with CD320-related conditions. This variant is present in population databases (rs567898376, ExAC 0.05%). This sequence change replaces alanine with glutamic acid at codon 11 of the CD320 protein (p.Ala11Glu). The alanine residue is moderately conserved and there is a moderate physicochemical difference between alanine and glutamic acid.

NM_016579.4(CD320):c.32C>A (p.Ala11Glu)

Gene: CD320 (CD320 molecule; minus strand). Cytogenetic location: 19p13.2.
Variant type: single nucleotide variant.
Coding change: c.32C>A on transcript NM_016579.4 (MANE Select); coding-DNA position 32, C replaced by A.
Protein change: p.Ala11Glu; replaces alanine 11 with glutamic acid.
Molecular consequence: missense variant.
Genome position (GRCh38, 1-based): chr19:8,308,259, G>T on the plus strand (C>A on the coding strand, the complement: CD320 is on the minus strand). VCF-style: chr19-8308259-G-T. GRCh37 (hg19) VCF-style: chr19-8373143-G-T.
Other names: c.32C>A, p.Ala11Glu (NM_001165895.2); short protein forms A11E.
Identifiers: ClinVar variation 1439701 (VCV001439701.8), dbSNP rs567898376, ClinGen allele CA9154870.